The following is an entry in ClinVar:

NM_022124.6(CDH23):c.4436T>C (p.Val1479Ala)

Gene: CDH23 (cadherin related 23; plus strand). Cytogenetic location: 10q22.1.
Variant type: single nucleotide variant.
Coding change: c.4436T>C on transcript NM_022124.6 (MANE Select); coding-DNA position 4436, T replaced by C.
Protein change: p.Val1479Ala; replaces valine 1479 with alanine.
Molecular consequence: missense variant.
Genome position (GRCh38, 1-based): chr10:71,739,720, T>C. VCF-style: chr10-71739720-T-C. GRCh37 (hg19) VCF-style: chr10-73499477-T-C.
Other names: short protein forms V1479A.
Identifiers: ClinVar variation 3719532 (VCV003719532.1).

ClinVar aggregate classification (germline): Uncertain significance (1 of 4 stars; one submission).

gnomAD v4.1: 3 of 1,613,292 alleles (0.00019%); highest among the groups gnomAD compares: Admixed American, 0.005%; no homozygotes.

Submission:

Labcorp Genetics (formerly Invitae), Labcorp
Classification: Uncertain significance. Last evaluated: 2024-03-03. Review status: criteria provided, single submitter. Criteria: Invitae Variant Classification Sherloc (09022015). Collection method: clinical testing. Allele origin: germline.
Comment: This sequence change replaces valine, which is neutral and non-polar, with alanine, which is neutral and non-polar, at codon 1479 of the CDH23 protein (p.Val1479Ala). This variant is not present in population databases (gnomAD no frequency). This variant has not been reported in the literature in individuals affected with CDH23-related conditions. Advanced modeling of protein sequence and biophysical properties (such as structural, functional, and spatial information, amino acid conservation, physicochemical variation, residue mobility, and thermodynamic stability) has been performed at Invitae for this missense variant, however the output from this modeling did not meet the statistical confidence thresholds required to predict the impact of this variant on CDH23 protein function. In summary, the available evidence is currently insufficient to determine the role of this variant in disease. Therefore, it has been classified as a Variant of Uncertain Significance.